The following is an entry in ClinVar:

NM_004446.3(EPRS1):c.2142G>A (p.Gly714=)

Gene: EPRS1 (glutamyl-prolyl-tRNA synthetase 1; minus strand). Cytogenetic location: 1q41.
Variant type: single nucleotide variant.
Coding change: c.2142G>A on transcript NM_004446.3 (MANE Select); coding-DNA position 2142, G replaced by A.
Protein change: p.Gly714=; no amino-acid change (glycine 714 retained).
Molecular consequence: synonymous variant.
Genome position (GRCh38, 1-based): chr1:220,001,177, C>T on the plus strand (G>A on the coding strand, the complement: EPRS1 is on the minus strand). VCF-style: chr1-220001177-C-T. GRCh37 (hg19) VCF-style: chr1-220174519-C-T.
Identifiers: ClinVar variation 3047512 (VCV003047512.2), dbSNP rs905750132, ClinGen allele CA37558137.

ClinVar aggregate classification (germline): Likely benign (0 of 4 stars; one submission).

Conditions:
EPRS1-related disorder. Also called: EPRS1-related condition.

Allele frequency attached by ClinVar (database versions not stated): gnomAD exomes 0.00001; gnomAD 0.00002; TOPMed 0.00002.
gnomAD v4.1: 19 of 1,613,738 alleles (0.0012%); highest among the groups gnomAD compares: African/African-American, 0.0027%; no homozygotes.

Submission:

PreventionGenetics, part of Exact Sciences
Classification: Likely benign for EPRS1-related condition. Last evaluated: 2019-02-21. Review status: no assertion criteria provided. Collection method: clinical testing. Allele origin: germline.
Comment: This variant is classified as likely benign based on ACMG/AMP sequence variant interpretation guidelines (Richards et al. 2015 PMID: 25741868, with internal and published modifications).